The following is an entry in ClinVar:

ClinVar aggregate classification (germline): Uncertain significance. Review status: criteria provided, multiple submitters, no conflicts (2 of 4 stars). 3 submissions from 3 submitters: Uncertain significance (3). Last evaluated 2024-03-15.

Conditions:
Inborn genetic diseases. Identifiers: MedGen C0950123, MeSH D030342.
Short stature due to partial GHR deficiency. Also called: GROWTH HORMONE INSENSITIVITY, PARTIAL; GROWTH HORMONE DEFICIENCY, ISOLATED PARTIAL; Growth hormone, insensitivity to, partial. Identifiers: Orphanet 314802, Orphanet 314811, MedGen C1858656, MONDO:0011420, OMIM 604271.

Allele frequency attached by ClinVar (database versions not stated): gnomAD 0.00002.
gnomAD v4.1: 6 of 1,613,984 alleles (0.00037%); highest among the groups gnomAD compares: Admixed American, 0.0033%; no homozygotes.

Submissions (3):

Ambry Genetics
Classification: Uncertain significance for Inborn genetic diseases. Last evaluated: 2024-03-15. Review status: criteria provided, single submitter. Criteria: Ambry Variant Classification Scheme 2023. Collection method: clinical testing. Allele origin: germline.

Labcorp Genetics (formerly Invitae), Labcorp
Classification: Uncertain significance. Last evaluated: 2023-08-23. Review status: criteria provided, single submitter. Criteria: Invitae Variant Classification Sherloc (09022015). Collection method: clinical testing. Allele origin: germline.
Comment: This sequence change replaces alanine, which is neutral and non-polar, with glutamic acid, which is acidic and polar, at codon 421 of the GHR protein (p.Ala421Glu). In summary, the available evidence is currently insufficient to determine the role of this variant in disease. Therefore, it has been classified as a Variant of Uncertain Significance. Advanced modeling of protein sequence and biophysical properties (such as structural, functional, and spatial information, amino acid conservation, physicochemical variation, residue mobility, and thermodynamic stability) performed at Invitae indicates that this missense variant is not expected to disrupt GHR protein function. This variant has not been reported in the literature in individuals affected with GHR-related conditions. This variant is present in population databases (rs748907983, gnomAD 0.006%).

Neuberg Centre For Genomic Medicine, NCGM
Classification: Uncertain significance for Short stature due to partial GHR deficiency. Review status: criteria provided, single submitter. Criteria: ACMG Guidelines, 2015. Collection method: clinical testing. Allele origin: germline. Inheritance: Autosomal dominant inheritance. Affected: yes.

NM_000163.5(GHR):c.1262C>A (p.Ala421Glu)

Gene: GHR (growth hormone receptor; plus strand). Cytogenetic location: 5p12.
Variant type: single nucleotide variant.
Coding change: c.1262C>A on transcript NM_000163.5 (MANE Select); coding-DNA position 1262, C replaced by A.
Protein change: p.Ala421Glu; replaces alanine 421 with glutamic acid.
Molecular consequence: missense variant. On other transcripts: 3 prime UTR variant (1).
Genome position (GRCh38, 1-based): chr5:42,718,769, C>A. VCF-style: chr5-42718769-C-A. GRCh37 (hg19) VCF-style: chr5-42718871-C-A.
Other names: c.1262C>A (NM_000163.4); c.1283C>A, p.Ala428Glu (NM_001242399.2); c.1262C>A, p.Ala421Glu (NM_001242400.2, NM_001242401.4, NM_001242402.2 and 4 more transcripts); c.1196C>A, p.Ala399Glu (NM_001242460.2); c.*304C>A (NM_001242462.1); short protein forms A428E, A399E, A421E.
Identifiers: ClinVar variation 3009375 (VCV003009375.4), dbSNP rs748907983, ClinGen allele CA3254628.
Genomic context (GRCh38, chr5:42,718,769, plus strand): 5'-CCAATGACATACATGAGGGTACCTCAGAGGTTGCTCAGCCACAGAGGTTAAAAGGGGAAG[C>A]AGATCTCTTATGCCTTGACCAGAAGAATCAAAATAACTCACCTTATCATGATGCTTGCCC-3'
Protein context (NP_000154.1, residues 411-431): VAQPQRLKGE[Ala421Glu]DLLCLDQKNQ